The following is an entry in ClinVar:

NM_014956.5(CEP164):c.4082G>A (p.Arg1361His)

Gene: CEP164 (centrosomal protein 164; plus strand). Cytogenetic location: 11q23.3.
Variant type: single nucleotide variant.
Coding change: c.4082G>A on transcript NM_014956.5 (MANE Select); coding-DNA position 4082, G replaced by A.
Protein change: p.Arg1361His; replaces arginine 1361 with histidine.
Molecular consequence: missense variant.
Genome position (GRCh38, 1-based): chr11:117,409,951, G>A. VCF-style: chr11-117409951-G-A. GRCh37 (hg19) VCF-style: chr11-117280667-G-A.
Other names: c.4067G>A, p.Arg1356His (NM_001271933.2); short protein forms R1356H, R1361H.
Identifiers: ClinVar variation 2050793 (VCV002050793.4), dbSNP rs148987415, ClinGen allele CA6295662.
Genomic context (GRCh38, chr11:117,409,951, plus strand): 5'-GGCCCAGGCTCCCCTCCTCTGTGGCTCAAACGGTGGACGACTTCCTGTTGGAGAAGTGGC[G>A]CAAGTATTTTCCATGTAAGCCCCACTCTGGGCGGAGCCTTCCCACCTGCCTCCTCCTCCT-3'
Protein context (NP_055771.4, residues 1351-1371): TVDDFLLEKW[Arg1361His]KYFPSGIPLL

ClinVar aggregate classification (germline): Uncertain significance. Review status: criteria provided, multiple submitters, no conflicts (2 of 4 stars). 3 submissions from 3 submitters: Uncertain significance (3). Last evaluated 2026-08-27.

Conditions:
CEP164-related disorder. Also called: CEP164-related condition.
Nephronophthisis 15 (NPHP15). Identifiers: Orphanet 3156, MedGen C3541853, MONDO:0013917, OMIM 614845.
Inborn genetic diseases. Identifiers: MedGen C0950123, MeSH D030342.

Allele frequency attached by ClinVar (database versions not stated): gnomAD 0.00002; TOPMed 0.00003; ESP Exome Variant Server 0.00015.

Submissions (3):

PreventionGenetics, part of Exact Sciences
Classification: Uncertain significance for CEP164-related condition. Last evaluated: 2026-08-27. Review status: criteria provided, single submitter. Criteria: ACMG Guidelines, 2015. Collection method: clinical testing. Allele origin: germline.
Comment: The CEP164 c.4082G>A variant is predicted to result in the amino acid substitution p.Arg1361His. To our knowledge, this variant has not been reported in the literature. This variant is reported in 0.022% of alleles in individuals of East Asian descent in gnomAD. At this time, the clinical significance of this variant is uncertain due to the absence of conclusive functional and genetic evidence.

Labcorp Genetics (formerly Invitae), Labcorp
Classification: Uncertain significance for Nephronophthisis 15. Last evaluated: 2023-09-05. Review status: criteria provided, single submitter. Criteria: Invitae Variant Classification Sherloc (09022015). Collection method: clinical testing. Allele origin: germline.
Comment: This sequence change replaces arginine, which is basic and polar, with histidine, which is basic and polar, at codon 1361 of the CEP164 protein (p.Arg1361His). This variant is present in population databases (rs148987415, gnomAD 0.02%). This variant has not been reported in the literature in individuals affected with CEP164-related conditions. ClinVar contains an entry for this variant (Variation ID: 2050793). Advanced modeling of protein sequence and biophysical properties (such as structural, functional, and spatial information, amino acid conservation, physicochemical variation, residue mobility, and thermodynamic stability) performed at Invitae indicates that this missense variant is not expected to disrupt CEP164 protein function. In summary, the available evidence is currently insufficient to determine the role of this variant in disease. Therefore, it has been classified as a Variant of Uncertain Significance.

Ambry Genetics
Classification: Uncertain significance for Inborn genetic diseases. Last evaluated: 2021-08-10. Review status: criteria provided, single submitter. Criteria: Ambry Variant Classification Scheme 2023. Collection method: clinical testing. Allele origin: germline.